The following is an entry in ClinVar:

ClinVar aggregate classification (germline): Conflicting classifications of pathogenicity. Review status: criteria provided, conflicting classifications (1 of 4 stars). 2 submissions from 2 submitters: Uncertain significance (1); Likely benign (1). Last evaluated 2025-12-14.

Conditions:
X-linked myopathy with postural muscle atrophy. Also called: FHL1-Related Emery-Dreifuss Muscular Dystrophy, X-Linked. Identifiers: Orphanet 178461, MedGen C2678055, MONDO:0010401, OMIM 300696.

Allele frequency attached by ClinVar (database versions not stated): ExAC 0.00001; gnomAD 0.00001; TOPMed 0.00001; gnomAD exomes 0.00002 and 0.00004.
gnomAD v4.1: 42 of 1,211,009 alleles (0.0035%); highest among the groups gnomAD compares: Non-Finnish European, 0.0047%; no homozygotes.

Submissions (2):

Labcorp Genetics (formerly Invitae), Labcorp
Classification: Uncertain significance for X-linked myopathy with postural muscle atrophy. Last evaluated: 2025-12-14. Review status: criteria provided, single submitter. Criteria: Invitae Variant Classification Sherloc (09022015). Collection method: clinical testing. Allele origin: germline.
Comment: This sequence change falls in intron 5 of the FHL1 gene. It does not directly change the encoded amino acid sequence of the FHL1 protein. It affects a nucleotide within the consensus splice site. This variant is present in population databases (rs747714932, gnomAD 0.004%). This variant has not been reported in the literature in individuals affected with FHL1-related conditions. ClinVar contains an entry for this variant (Variation ID: 512885). Variants that disrupt the consensus splice site are a relatively common cause of aberrant splicing (PMID: 17576681, 9536098). Algorithms developed to predict the effect of sequence changes on RNA splicing suggest that this variant is not likely to affect RNA splicing. In summary, the available evidence is currently insufficient to determine the role of this variant in disease. Therefore, it has been classified as a Variant of Uncertain Significance.

GeneDx
Classification: Likely benign. Last evaluated: 2017-10-25. Review status: criteria provided, single submitter. Criteria: GeneDx Variant Classification (06012015). Collection method: clinical testing. Allele origin: germline. Affected: yes.
Comment: This variant is considered likely benign or benign based on one or more of the following criteria: it is a conservative change, it occurs at a poorly conserved position in the protein, it is predicted to be benign by multiple in silico algorithms, and/or has population frequency not consistent with disease.

Literature cited by the submitters: PubMed 17576681 (cited by Labcorp Genetics (formerly Invitae), Labcorp); PubMed 9536098 (cited by Labcorp Genetics (formerly Invitae), Labcorp).

NM_001159699.2(FHL1):c.549+5G>A

Gene: FHL1 (four and a half LIM domains 1; plus strand). Cytogenetic location: Xq26.3.
Variant type: single nucleotide variant.
Coding change: c.549+5G>A on transcript NM_001159699.2 (MANE Select); 5 bases into the intron after coding-DNA position 549, G replaced by A.
Molecular consequence: intron variant.
Genome position (GRCh38, 1-based): chrX:136,207,966, G>A. VCF-style: chrX-136207966-G-A. GRCh37 (hg19) VCF-style: chrX-135290125-G-A.
Other names: c.501+5G>A (NM_001159702.3, NM_001449.5, NM_001159703.2 and 9 more transcripts); c.588+5G>A (NM_001159701.2); c.549+5G>A (NM_001330659.2).
Identifiers: ClinVar variation 512885 (VCV000512885.8), dbSNP rs747714932, ClinGen allele CA10525028.